The following is an entry in ClinVar:

NM_032043.3(BRIP1):c.-30-71C>T

Gene: BRIP1 (BRCA1 interacting DNA helicase 1; minus strand). Cytogenetic location: 17q23.2.
Variant type: single nucleotide variant.
Coding change: c.-30-71C>T on transcript NM_032043.3 (MANE Select); 71 bases into the intron before 30 bases upstream of the start codon, C replaced by T.
Molecular consequence: intron variant.
Genome position (GRCh38, 1-based): chr17:61,861,640, G>A on the plus strand (C>T on the coding strand, the complement: BRIP1 is on the minus strand). VCF-style: chr17-61861640-G-A. GRCh37 (hg19) VCF-style: chr17-59939001-G-A.
Identifiers: ClinVar variation 676482 (VCV000676482.2), dbSNP rs7226248, ClinGen allele CA292281899.
Genomic context (GRCh38, chr17:61,861,640, plus strand): 5'-AATGAAAATGTCAAATATTGAGACACGCCTTACAAAGAAAACCAGAGAACCAAAACTAAG[G>A]GAGAAATCTGGAAACAGAAACTGGAATTAATAAAAGTATAAACAAAACAAATGGAAACAA-3'

ClinVar aggregate classification (germline): Benign. Review status: criteria provided, multiple submitters, no conflicts (2 of 4 stars). 2 submissions from 2 submitters: Benign (2). Last evaluated 2018-06-15.

Allele frequency attached by ClinVar (database versions not stated): gnomAD exomes 0.00877; gnomAD 0.07060 and 0.07556; 1000 Genomes Project 0.07268; 1000 Genomes Project 30x 0.07683; TOPMed 0.07982.
gnomAD v4.1: 16,744 of 801,888 alleles (2.1%); highest among the groups gnomAD compares: African/African-American, 24%; 1,822 homozygotes.

Submissions (2):

GeneDx
Classification: Benign. Last evaluated: 2018-06-15. Review status: criteria provided, single submitter. Criteria: GeneDx Variant Classification (06012015). Collection method: clinical testing. Allele origin: germline. Affected: yes.
Comment: This variant is considered likely benign or benign based on one or more of the following criteria: it is a conservative change, it occurs at a poorly conserved position in the protein, it is predicted to be benign by multiple in silico algorithms, and/or has population frequency not consistent with disease.

Breakthrough Genomics
Classification: Benign. Review status: criteria provided, single submitter. Criteria: ACMG Guidelines, 2015. Collection method: not provided. Allele origin: germline. Inheritance: Autosomal dominant inheritance. Affected: yes.